The following is an entry in ClinVar:

NM_001844.5(COL2A1):c.8G>T (p.Arg3Leu)

Gene: COL2A1 (collagen type II alpha 1 chain; minus strand). Cytogenetic location: 12q13.11.
Variant type: single nucleotide variant.
Coding change: c.8G>T on transcript NM_001844.5 (MANE Select); coding-DNA position 8, G replaced by T.
Protein change: p.Arg3Leu; replaces arginine 3 with leucine.
Molecular consequence: missense variant.
Genome position (GRCh38, 1-based): chr12:48,004,314, C>A on the plus strand (G>T on the coding strand, the complement: COL2A1 is on the minus strand). VCF-style: chr12-48004314-C-A. GRCh37 (hg19) VCF-style: chr12-48398097-C-A.
Other names: c.8G>T, p.Arg3Leu (NM_033150.3); c.8G>T (NM_001844.4); short protein forms R3L.
Identifiers: ClinVar variation 1018407 (VCV001018407.9), dbSNP rs372229776, ClinGen allele CA236497908.

ClinVar aggregate classification (germline): Conflicting classifications of pathogenicity. Review status: criteria provided, conflicting classifications (1 of 4 stars). 2 submissions from 2 submitters: Uncertain significance (1); Likely benign (1). Last evaluated 2026-09-15.

Conditions:
COL2A1-related disorder. Also called: COL2A1-related condition; COL2A1-related disorders.

Allele frequency attached by ClinVar (database versions not stated): gnomAD exomes 0.00001; TOPMed 0.00001; gnomAD 0.00002; ESP Exome Variant Server 0.00009.
gnomAD v4.1: 6 of 1,546,204 alleles (0.00039%); highest among the groups gnomAD compares: African/African-American, 0.0041%; no homozygotes.

Submissions (2):

PreventionGenetics, part of Exact Sciences
Classification: Uncertain significance for COL2A1-related condition. Last evaluated: 2026-09-15. Review status: criteria provided, single submitter. Criteria: ACMG Guidelines, 2015. Collection method: clinical testing. Allele origin: germline.
Comment: The COL2A1 c.8G>T variant is predicted to result in the amino acid substitution p.Arg3Leu. To our knowledge, this variant has not been reported in the literature. This variant is reported in 0.012% of alleles in individuals of African descent in gnomAD. At this time, the clinical significance of this variant is uncertain due to the absence of conclusive functional and genetic evidence.

Labcorp Genetics (formerly Invitae), Labcorp
Classification: Likely benign. Last evaluated: 2025-03-19. Review status: criteria provided, single submitter. Criteria: Invitae Variant Classification Sherloc (09022015). Collection method: clinical testing. Allele origin: germline.